The following is an entry in ClinVar:

ClinVar aggregate classification (germline): Uncertain significance. Review status: criteria provided, multiple submitters, no conflicts (2 of 4 stars). 2 submissions from 2 submitters: Uncertain significance (2). Last evaluated 2024-09-14.

Allele frequency attached by ClinVar (database versions not stated): gnomAD exomes 0.00001 and 0.00005; ExAC 0.00002; gnomAD 0.00002 and 0.00003; TOPMed 0.00002.
gnomAD v4.1: 71 of 1,613,818 alleles (0.0044%); highest among the groups gnomAD compares: Non-Finnish European, 0.0058%; 1 homozygote.

Submissions (2):

Blueprint Genetics
Classification: Uncertain significance. Last evaluated: 2024-09-14. Review status: criteria provided, single submitter. Criteria: ACMG Guidelines, 2015. Collection method: clinical testing. Allele origin: germline.

Labcorp Genetics (formerly Invitae), Labcorp
Classification: Uncertain significance. Last evaluated: 2022-06-14. Review status: criteria provided, single submitter. Criteria: Invitae Variant Classification Sherloc (09022015). Collection method: clinical testing. Allele origin: germline.
Comment: This sequence change replaces serine, which is neutral and polar, with isoleucine, which is neutral and non-polar, at codon 1228 of the CNGB1 protein (p.Ser1228Ile). This variant is present in population databases (rs754667137, gnomAD 0.002%). This variant has not been reported in the literature in individuals affected with CNGB1-related conditions. Advanced modeling of protein sequence and biophysical properties (such as structural, functional, and spatial information, amino acid conservation, physicochemical variation, residue mobility, and thermodynamic stability) performed at Invitae indicates that this missense variant is not expected to disrupt CNGB1 protein function. In summary, the available evidence is currently insufficient to determine the role of this variant in disease. Therefore, it has been classified as a Variant of Uncertain Significance.

NM_001297.5(CNGB1):c.3683G>T (p.Ser1228Ile)

Gene: CNGB1 (cyclic nucleotide gated channel subunit beta 1; minus strand). Cytogenetic location: 16q21.
Variant type: single nucleotide variant.
Coding change: c.3683G>T on transcript NM_001297.5 (MANE Select); coding-DNA position 3683, G replaced by T.
Protein change: p.Ser1228Ile; replaces serine 1228 with isoleucine.
Molecular consequence: missense variant.
Genome position (GRCh38, 1-based): chr16:57,884,237, C>A on the plus strand (G>T on the coding strand, the complement: CNGB1 is on the minus strand). VCF-style: chr16-57884237-C-A. GRCh37 (hg19) VCF-style: chr16-57918141-C-A.
Other names: c.3665G>T, p.Ser1222Ile (NM_001286130.2); short protein forms S1228I, S1222I.
Identifiers: ClinVar variation 1389367 (VCV001389367.6), dbSNP rs754667137, ClinGen allele CA8082480.